The following is an entry in ClinVar:

ClinVar aggregate classification (germline): Uncertain significance (1 of 4 stars; one submission).

Conditions:
TBX3-related disorder. Also called: TBX3-related condition.

Submission:

PreventionGenetics, part of Exact Sciences
Classification: Uncertain significance for TBX3-related condition. Last evaluated: 2026-04-20. Review status: criteria provided, single submitter. Criteria: ACMG Guidelines, 2015. Collection method: clinical testing. Allele origin: germline.
Comment: The TBX3 c.1783T>C variant is predicted to result in the amino acid substitution p.Ser595Pro. To our knowledge, this variant has not been reported in the literature or in a large population database (gnomAD), indicating this variant is rare. At this time, the clinical significance of this variant is uncertain due to the absence of conclusive functional and genetic evidence.

NM_005996.4(TBX3):c.1723T>C (p.Ser575Pro)

Gene: TBX3 (T-box transcription factor 3; minus strand). Cytogenetic location: 12q24.21.
Variant type: single nucleotide variant.
Coding change: c.1723T>C on transcript NM_005996.4 (MANE Select); coding-DNA position 1723, T replaced by C.
Protein change: p.Ser575Pro; replaces serine 575 with proline.
Molecular consequence: missense variant.
Genome position (GRCh38, 1-based): chr12:114,672,290, A>G on the plus strand (T>C on the coding strand, the complement: TBX3 is on the minus strand). VCF-style: chr12-114672290-A-G. GRCh37 (hg19) VCF-style: chr12-115110095-A-G.
Other names: c.1783T>C, p.Ser595Pro (NM_016569.4); short protein forms S595P, S575P.
Identifiers: ClinVar variation 4993332 (VCV004993332.1).